The following is an entry in ClinVar:

ClinVar aggregate classification (germline): Uncertain significance (1 of 4 stars; one submission).

Allele frequency attached by ClinVar (database versions not stated): TOPMed 0.00001; gnomAD exomes 0.00002; ExAC 0.00001.
gnomAD v4.1: 24 of 1,608,454 alleles (0.0015%); highest among the groups gnomAD compares: Non-Finnish European, 0.002%; no homozygotes.

Submission:

Labcorp Genetics (formerly Invitae), Labcorp
Classification: Uncertain significance. Last evaluated: 2022-02-05. Review status: criteria provided, single submitter. Criteria: Invitae Variant Classification Sherloc (09022015). Collection method: clinical testing. Allele origin: germline.
Comment: This sequence change falls in intron 5 of the UNC80 gene. It does not directly change the encoded amino acid sequence of the UNC80 protein. This variant is present in population databases (rs757904908, gnomAD 0.007%). This variant has not been reported in the literature in individuals affected with UNC80-related conditions. Algorithms developed to predict the effect of sequence changes on RNA splicing suggest that this variant may disrupt the consensus splice site. In summary, the available evidence is currently insufficient to determine the role of this variant in disease. Therefore, it has been classified as a Variant of Uncertain Significance.

NM_001371986.1(UNC80):c.725-5T>C

Gene: UNC80 (unc-80 homolog, NALCN channel complex subunit; plus strand). Cytogenetic location: 2q34.
Variant type: single nucleotide variant.
Coding change: c.725-5T>C on transcript NM_001371986.1 (MANE Select); 5 bases into the intron before coding-DNA position 725, T replaced by C.
Molecular consequence: intron variant.
Genome position (GRCh38, 1-based): chr2:209,789,527, T>C. VCF-style: chr2-209789527-T-C. GRCh37 (hg19) VCF-style: chr2-210654251-T-C.
Other names: c.725-5T>C (NM_032504.2, NM_182587.4).
Identifiers: ClinVar variation 1967677 (VCV001967677.2), dbSNP rs757904908, ClinGen allele CA2082834.